The following is an entry in ClinVar:

NM_012233.3(RAB3GAP1):c.2799C>T (p.Pro933=)

Gene: RAB3GAP1 (RAB3 GTPase activating protein catalytic subunit 1; plus strand). Cytogenetic location: 2q21.3.
Variant type: single nucleotide variant.
Coding change: c.2799C>T on transcript NM_012233.3 (MANE Select); coding-DNA position 2799, C replaced by T.
Protein change: p.Pro933=; no amino-acid change (proline 933 retained).
Molecular consequence: synonymous variant.
Genome position (GRCh38, 1-based): chr2:135,168,634, C>T. VCF-style: chr2-135168634-C-T. GRCh37 (hg19) VCF-style: chr2-135926204-C-T.
Other names: c.2799C>T (NM_012233.2); c.2820C>T, p.Pro940= (NM_001172435.2).
Identifiers: ClinVar variation 2166161 (VCV002166161.6), dbSNP rs369057346, ClinGen allele CA1885198.

ClinVar aggregate classification (germline): Likely benign. Review status: criteria provided, single submitter (1 of 4 stars). 2 submissions from 2 submitters: Likely benign (1). 1 of the submissions does not count toward it. Last evaluated 2023-10-09.

Conditions:
RAB3GAP1-related disorder. Also called: RAB3GAP1-related condition; RAB3GAP1-related disorders.

Allele frequency attached by ClinVar (database versions not stated): ExAC 0.00001; gnomAD 0.00005; TOPMed 0.00008; ESP Exome Variant Server 0.00015.
gnomAD v4.1: 23 of 1,614,096 alleles (0.0014%); highest among the groups gnomAD compares: African/African-American, 0.025%; no homozygotes.

Submissions (2):

Labcorp Genetics (formerly Invitae), Labcorp
Classification: Likely benign. Last evaluated: 2023-10-09. Review status: criteria provided, single submitter. Criteria: Invitae Variant Classification Sherloc (09022015). Collection method: clinical testing. Allele origin: germline.

PreventionGenetics, part of Exact Sciences
Classification: Likely benign for RAB3GAP1-related condition. Last evaluated: 2022-05-02. Review status: no assertion criteria provided. Collection method: clinical testing. Allele origin: germline. Not counted in ClinVar's aggregate classification.
Comment: This variant is classified as likely benign based on ACMG/AMP sequence variant interpretation guidelines (Richards et al. 2015 PMID: 25741868, with internal and published modifications).